The following is an entry in ClinVar:

NM_000059.4(BRCA2):c.9985A>G (p.Asn3329Asp)

Gene: BRCA2 (BRCA2 DNA repair associated; plus strand). Cytogenetic location: 13q13.1.
Variant type: single nucleotide variant.
Coding change: c.9985A>G on transcript NM_000059.4 (MANE Select); coding-DNA position 9985, A replaced by G.
Protein change: p.Asn3329Asp; replaces asparagine 3329 with aspartic acid.
Molecular consequence: missense variant. On other transcripts: non-coding transcript variant (1).
Genome position (GRCh38, 1-based): chr13:32,398,498, A>G. VCF-style: chr13-32398498-A-G. GRCh37 (hg19) VCF-style: chr13-32972635-A-G.
Other names: c.9889A>G, p.Asn3297Asp (NM_001406719.1); c.9934A>G, p.Asn3312Asp (NM_001406720.1); c.5053A>G, p.Asn1685Asp (NM_001406721.1); c.3568A>G, p.Asn1190Asp (NM_001406722.1); c.9985A>G, p.Asn3329Asp (NM_001432077.1); short protein forms N1190D, N1685D, N3297D, N3312D, N3329D.
Identifiers: ClinVar variation 4802369 (VCV004802369.1).

ClinVar aggregate classification (germline): Uncertain significance (1 of 4 stars; one submission).

Conditions:
Hereditary breast ovarian cancer syndrome. Also called: Hereditary breast and ovarian cancer syndrome (HBOC); Hereditary breast and ovarian cancer; Breast and ovarian cancer; Hereditary breast and/or ovarian cancer syndrome; BRCA1- and BRCA2-Associated Hereditary Breast and Ovarian Cancer; Hereditary breast and ovarian cancer syndrome. Identifiers: Orphanet 145, MedGen C0677776, MeSH D061325, MONDO:0003582. Disease mechanism: loss of function.

Submission:

Labcorp Genetics (formerly Invitae), Labcorp
Classification: Uncertain significance for Hereditary breast ovarian cancer syndrome. Last evaluated: 2025-06-03. Review status: criteria provided, single submitter. Criteria: Invitae Variant Classification Sherloc (09022015). Collection method: clinical testing. Allele origin: germline.
Comment: This sequence change replaces asparagine, which is neutral and polar, with aspartic acid, which is acidic and polar, at codon 3329 of the BRCA2 protein (p.Asn3329Asp). This variant is not present in population databases (gnomAD no frequency). This variant has not been reported in the literature in individuals affected with BRCA2-related conditions. Invitae Evidence Modeling of protein sequence and biophysical properties (such as structural, functional, and spatial information, amino acid conservation, physicochemical variation, residue mobility, and thermodynamic stability) indicates that this missense variant is not expected to disrupt BRCA2 protein function with a negative predictive value of 95%. In summary, the available evidence is currently insufficient to determine the role of this variant in disease. Therefore, it has been classified as a Variant of Uncertain Significance.